The following is an entry in ClinVar:

ClinVar aggregate classification (germline): Uncertain significance. Review status: criteria provided, single submitter (1 of 4 stars). 2 submissions from 2 submitters: Uncertain significance (1). 1 of the submissions does not count toward it. Last evaluated 2024-05-08.

Conditions:
Rubinstein-Taybi syndrome (RSTS). Identifiers: Orphanet 783, MedGen C0035934, MONDO:0019188.
CREBBP-related disorder. Also called: CREBBP-related disorders; CREBBP-related condition.

Submissions (2):

Labcorp Genetics (formerly Invitae), Labcorp
Classification: Uncertain significance for Rubinstein-Taybi syndrome. Last evaluated: 2024-05-08. Review status: criteria provided, single submitter. Criteria: Invitae Variant Classification Sherloc (09022015). Collection method: clinical testing. Allele origin: germline.
Comment: This variant, c.6630_6632dup, results in the insertion of 1 amino acid(s) of the CREBBP protein (p.Gln2216dup), but otherwise preserves the integrity of the reading frame. The frequency data for this variant in the population databases is considered unreliable, as metrics indicate poor data quality at this position in the gnomAD database. This variant has not been reported in the literature in individuals affected with CREBBP-related conditions. Experimental studies and prediction algorithms are not available or were not evaluated, and the functional significance of this variant is currently unknown. In summary, the available evidence is currently insufficient to determine the role of this variant in disease. Therefore, it has been classified as a Variant of Uncertain Significance.

PreventionGenetics, part of Exact Sciences
Classification: Likely benign for CREBBP-related condition. Last evaluated: 2021-07-22. Review status: no assertion criteria provided. Collection method: clinical testing. Allele origin: germline. Not counted in ClinVar's aggregate classification.
Comment: This variant is classified as likely benign based on ACMG/AMP sequence variant interpretation guidelines (Richards et al. 2015 PMID: 25741868, with internal and published modifications).

NM_004380.3(CREBBP):c.6627GCA[3] (p.Gln2216_Gly2217insGln)

Gene: CREBBP (CREB binding lysine acetyltransferase; minus strand). Cytogenetic location: 16p13.3.
Variant type: Microsatellite.
Coding change: c.6627GCA[3] on transcript NM_004380.3 (MANE Select); three copies in a row of the 3-base unit GCA starting at c.6627; the reference has two copies in a row; one copy, 3 bases duplicated.
Protein change: p.Gln2216_Gly2217insGln.
Genome position (GRCh38, 1-based): chr16:3,728,415-3,728,417, TGC duplicated on the plus strand (GCA on the coding strand, the reverse complement: CREBBP is on the minus strand); duplicating any 3 consecutive bases within chr16:3,728,415-3,728,422 gives the same sequence; the position shown is the placement nearest the transcript's 3' end. VCF-style (leftmost placement, unchanged base first): chr16-3728414-T-TTGC. GRCh37 (hg19) VCF-style: chr16-3778415-T-TTGC.
Other names: c.6513GCA[3], p.Gln2178_Gly2179insGln (NM_001079846.1).
Identifiers: ClinVar variation 3054557 (VCV003054557.4), dbSNP rs759500116, ClinGen allele CA7869050.
Genomic context (GRCh38, chr16:3,728,414, plus strand): 5'-GAACTGGCCGTGCCCCGCCATGCCCCCAGCCATGCCGGCACTCCCTTGCTGCTGCTGCTG[T>TTGC]TGCTGCTGTTGTTGCTGCTGCTGTTGCTGCTGCTGCTGCAGCAGCTGCCTCCGTAACATT-3'